The following is an entry in ClinVar:

Conditions:
Breast-ovarian cancer, familial, susceptibility to, 1 (BROVCA1). Also called: BRCA1 Hereditary Breast and Ovarian Cancer; OVARIAN CANCER, SUSCEPTIBILITY TO. Identifiers: Orphanet 145, MedGen C2676676, MONDO:0011450, OMIM 604370. Disease mechanism: loss of function.

Submission:

Brotman Baty Institute, University of Washington
No classification provided (evidence only). Condition: Breast-ovarian cancer, familial 1. Review status: no classification provided. Collection method: in vitro. Allele origin: not applicable. Functional consequence: functionally_normal.
ClinVar note: "not provided" was previously submitted as the classification for the variant. However, the classification appeared to be based only on an observation of functional data so it was converted to no classification on 2025-07-30.

NM_007294.4(BRCA1):c.5028A>C (p.Leu1676Phe)

Gene: BRCA1 (BRCA1 DNA repair associated; minus strand). Cytogenetic location: 17q21.31.
Variant type: single nucleotide variant.
Coding change: c.5028A>C on transcript NM_007294.4 (MANE Select); coding-DNA position 5028, A replaced by C.
Protein change: p.Leu1676Phe; replaces leucine 1676 with phenylalanine.
Molecular consequence: missense variant. On other transcripts: non-coding transcript variant (1).
Genome position (GRCh38, 1-based): chr17:43,067,654, T>G on the plus strand (A>C on the coding strand, the complement: BRCA1 is on the minus strand). VCF-style: chr17-43067654-T-G. GRCh37 (hg19) VCF-style: chr17-41219671-T-G.
Other names: c.4815A>C, p.Leu1605Phe (NM_001407571.1, NM_001407894.1, NM_001407895.1 and 12 more transcripts); c.5094A>C, p.Leu1698Phe (NM_001407581.1, NM_001407582.1); c.5091A>C, p.Leu1697Phe (NM_001407583.1, NM_001407585.1, NM_001407587.1 and 1 more transcripts); c.5088A>C, p.Leu1696Phe (NM_001407590.1, NM_001407591.1); c.5028A>C, p.Leu1676Phe (NM_001407593.1, NM_001407594.1, NM_001407596.1 and 8 more transcripts); c.5025A>C, p.Leu1675Phe (NM_001407610.1, NM_001407621.1, NM_001407622.1 and 17 more transcripts); c.5022A>C, p.Leu1674Phe (NM_001407627.1, NM_001407628.1, NM_001407629.1 and 14 more transcripts); c.5019A>C, p.Leu1673Phe (NM_001407644.1, NM_001407645.1); and 70 more; short protein forms L1697F, L572F, L1676F, L1629F, L1379F, L1522F, L1548F, L1586F.
Identifiers: ClinVar variation 868539 (VCV000868539.3), dbSNP rs1064793596, ClinGen allele CA10591461.